The following is an entry in ClinVar:

ClinVar aggregate classification (germline): Likely benign (0 of 4 stars; one submission).

Conditions:
ERCC6-related disorder. Also called: ERCC6-related condition; ERCC6-related disorders. Identifiers: MedGen CN239385.

Submission:

PreventionGenetics, part of Exact Sciences
Classification: Likely benign for ERCC6-related condition. Last evaluated: 2019-04-08. Review status: no assertion criteria provided. Collection method: clinical testing. Allele origin: germline.
Comment: This variant is classified as likely benign based on ACMG/AMP sequence variant interpretation guidelines (Richards et al. 2015 PMID: 25741868, with internal and published modifications).

NM_000124.4(ERCC6):c.2832C>T (p.Ala944=)

Genes: ERCC6 (ERCC excision repair 6, chromatin remodeling factor; minus strand), LOC126860933 (BRD4-independent group 4 enhancer GRCh37_chr10:50679962-50681161; plus strand). Cytogenetic location: 10q11.23.
Variant type: single nucleotide variant.
Coding change: c.2832C>T on transcript NM_000124.4 (MANE Select); coding-DNA position 2832, C replaced by T.
Protein change: p.Ala944=; no amino-acid change (alanine 944 retained).
Molecular consequence: synonymous variant.
Genome position (GRCh38, 1-based): chr10:49,472,468, G>A on the plus strand (C>T on the coding strand, the complement: ERCC6 is on the minus strand). VCF-style: chr10-49472468-G-A. GRCh37 (hg19) VCF-style: chr10-50680514-G-A.
Other names: c.2832C>T, p.Ala944= (NM_001346440.2).
Identifiers: ClinVar variation 3035824 (VCV003035824.2), dbSNP rs2495978477, ClinGen allele CA469600883.